The following is an entry in ClinVar:

NM_000179.3(MSH6):c.422del (p.Gly141fs)

Gene: MSH6 (mutS homolog 6; plus strand). Cytogenetic location: 2p16.3.
Variant type: Deletion.
Coding change: c.422del on transcript NM_000179.3 (MANE Select); coding-DNA position 422, one base deleted (G; older notation c.422delG).
Protein change: p.Gly141fs; shifts the reading frame from glycine 141.
Molecular consequence: frameshift variant. On other transcripts: 5 prime UTR variant (2), intron variant (1).
Genome position (GRCh38, 1-based): chr2:47,791,088, G deleted; the last of 4 consecutive G bases (chr2:47,791,085-47,791,088); deleting any one gives the same sequence. VCF-style (leftmost placement, unchanged base first): chr2-47791084-AG-A. GRCh37 (hg19) VCF-style: chr2-48018223-AG-A.
Other names: c.-315del (NM_001281493.2); c.-481del (NM_001281494.2); c.238-7523del (NM_001281492.2); c.422delG (NM_000179.2); short protein forms G141fs.
Identifiers: ClinVar variation 479975 (VCV000479975.6), dbSNP rs1553410342, ClinGen allele CA658655680.

ClinVar aggregate classification (germline): Pathogenic. Review status: criteria provided, multiple submitters, no conflicts (2 of 4 stars). 2 submissions from 2 submitters: Pathogenic (2). Last evaluated 2023-08-10.

Conditions:
Lynch syndrome 5 (LYNCH5). Also called: Colorectal cancer, hereditary nonpolyposis, type 5; Hereditary non-polyposis colorectal cancer, type 5. Identifiers: Orphanet 144, MedGen C1833477, MONDO:0013710, OMIM 614350. Disease mechanism: loss of function.
Hereditary cancer-predisposing syndrome. Also called: Hereditary Cancer Syndrome; Neoplastic Syndromes, Hereditary; Tumor predisposition; Hereditary neoplastic syndrome. Identifiers: Orphanet 140162, MedGen C0027672, MeSH D009386, MONDO:0015356.

Submissions (2):

Myriad Genetics, Inc.
Classification: Pathogenic for Lynch syndrome 5. Last evaluated: 2023-08-10. Review status: criteria provided, single submitter. Criteria: Myriad Autosomal Dominant, Autosomal Recessive and X-Linked Classification Criteria (2023). Collection method: clinical testing. Allele origin: unknown.
Comment: This variant is considered pathogenic. This variant creates a frameshift predicted to result in premature protein truncation.

Ambry Genetics
Classification: Pathogenic for Hereditary cancer-predisposing syndrome. Last evaluated: 2020-08-21. Review status: criteria provided, single submitter. Criteria: Ambry Variant Classification Scheme 2023. Collection method: clinical testing. Allele origin: germline.
Comment: The c.422delG pathogenic mutation, located in coding exon 2 of the MSH6 gene, results from a deletion of one nucleotide at nucleotide position 422, causing a translational frameshift with a predicted alternate stop codon (p.G141Afs*8). This alteration is expected to result in loss of function by premature protein truncation or nonsense-mediated mRNA decay. As such, this alteration is interpreted as a disease-causing mutation.